The following is an entry in ClinVar:

NM_181458.4(PAX3):c.39del (p.Pro14fs)

Genes: CCDC140 (CCDC140 long non-coding RNA; plus strand), PAX3 (paired box 3; minus strand). Cytogenetic location: 2q36.1.
Variant type: Deletion.
Coding change: c.39del on transcript NM_181458.4 (MANE Select); coding-DNA position 39, one base deleted (G; older notation c.39delG).
Protein change: p.Pro14fs; shifts the reading frame from proline 14.
Molecular consequence: frameshift variant.
Genome position (GRCh38, 1-based): chr2:222,298,577, C deleted on the plus strand (G on the coding strand, the reverse complement: PAX3 is on the minus strand); the first of 2 consecutive C bases (chr2:222,298,577-222,298,578); deleting either gives the same sequence. VCF-style (leftmost placement, unchanged base first): chr2-222298576-GC-G. GRCh37 (hg19) VCF-style: chr2-223163295-GC-G.
Other names: c.39del, p.Pro14fs (NM_013942.5, NM_181457.4, NM_000438.6 and 4 more transcripts); short protein forms P14fs.
Identifiers: ClinVar variation 545903 (VCV000545903.2), dbSNP rs1553594600, ClinGen allele CA658822946.

ClinVar aggregate classification (germline): Pathogenic (1 of 4 stars; one submission).

Submission:

GeneDx
Classification: Pathogenic. Last evaluated: 2018-05-16. Review status: criteria provided, single submitter. Criteria: GeneDx Variant Classification (06012015). Collection method: clinical testing. Allele origin: germline. Affected: yes.
Comment: The c.39delG variant has not been published as a pathogenic variant, nor has it been reported as a benign variant to our knowledge. The variant is not observed in large population cohorts (Lek et al., 2016). The variant causes a frameshift starting with codon Proline 14, changes this amino acid to an Arginine residue and creates a premature Stop codon at position 96 of the new reading frame, denoted p.Pro14ArgfsX96. This variant is predicted to cause loss of normal protein function either through protein truncation or nonsense-mediated mRNA decay. In summary, we consider this variant to be pathogenic.